The following is an entry in ClinVar:

NM_000059.4(BRCA2):c.7378AAC[1] (p.Asn2461del)

Gene: BRCA2 (BRCA2 DNA repair associated; plus strand). Cytogenetic location: 13q13.1.
Variant type: Microsatellite.
Coding change: c.7378AAC[1] on transcript NM_000059.4 (MANE Select); one copy of the 3-base unit AAC starting at c.7378; the reference has two copies in a row; one copy, 3 bases deleted.
Protein change: p.Asn2461del; deletes asparagine 2461.
Molecular consequence: inframe deletion.
Genome position (GRCh38, 1-based): chr13:32,355,234-32,355,236, AAC deleted; deleting any 3 consecutive bases within chr13:32,355,231-32,355,236 gives the same sequence; the position shown is the placement nearest the transcript's 3' end. VCF-style (leftmost placement, unchanged base first): chr13-32355230-AAAC-A. GRCh37 (hg19) VCF-style: chr13-32929367-AAAC-A.
Other names: short protein forms N2461del.
Identifiers: ClinVar variation 827007 (VCV000827007.5), dbSNP rs1593918520, ClinGen allele CA915946865.

ClinVar aggregate classification (germline): Uncertain significance (1 of 4 stars; one submission).

Conditions:
Hereditary cancer-predisposing syndrome. Also called: Neoplastic Syndromes, Hereditary; Tumor predisposition; Hereditary neoplastic syndrome; Hereditary Cancer Syndrome. Identifiers: Orphanet 140162, MedGen C0027672, MeSH D009386, MONDO:0015356.

Submission:

Ambry Genetics
Classification: Uncertain significance for Hereditary cancer-predisposing syndrome. Last evaluated: 2025-10-07. Review status: criteria provided, single submitter. Criteria: Ambry Variant Classification Scheme 2023. Collection method: clinical testing. Allele origin: germline.
Comment: The c.7381_7383delAAC variant (also known as p.N2461del) is located in coding exon 13 of the BRCA2 gene. This variant results from an in-frame AAC deletion at nucleotide positions 7381 to 7383. This results in the in-frame deletion of an asparagine at codon 2461. This amino acid position is not well conserved in available vertebrate species. In addition, the in silico prediction for this variant is inconclusive (Choi Y et al. PLoS ONE. 2012; 7(10):e46688). Based on the available evidence, the clinical significance of this variant remains unclear.